The following is an entry in ClinVar:

ClinVar aggregate classification (germline): Likely benign (1 of 4 stars; one submission).

Conditions:
Familial cancer of breast. Also called: Hereditary breast cancer; BREAST CANCER, FAMILIAL; hereditary breast carcinoma. Identifiers: Orphanet 227535, MedGen C0346153, MONDO:0016419, OMIM 114480. Disease mechanism: loss of function.

Submission:

Myriad Genetics, Inc.
Classification: Likely benign for Familial cancer of breast. Last evaluated: 2024-10-04. Review status: criteria provided, single submitter. Criteria: Myriad Autosomal Dominant, Autosomal Recessive and X-Linked Classification Criteria (2023). Collection method: clinical testing. Allele origin: unknown.
Comment: This variant is considered likely benign. This variant is intronic and is not expected to impact mRNA splicing.

NM_007194.4(CHEK2):c.1096-12A>G

Gene: CHEK2 (checkpoint kinase 2; minus strand). Cytogenetic location: 22q12.1.
Variant type: single nucleotide variant.
Coding change: c.1096-12A>G on transcript NM_007194.4 (MANE Select); 12 bases into the intron before coding-DNA position 1096, A replaced by G.
Molecular consequence: intron variant.
Genome position (GRCh38, 1-based): chr22:28,695,885, T>C on the plus strand (A>G on the coding strand, the complement: CHEK2 is on the minus strand). VCF-style: chr22-28695885-T-C. GRCh37 (hg19) VCF-style: chr22-29091873-T-C.
Other names: c.433-12A>G (NM_001437942.1, NM_001257387.3); c.895-12A>G (NM_001349956.3); c.1009-12A>G (NM_145862.3); c.1102-12A>G (NM_001438295.1); c.1189-12A>G (NM_001438293.1); c.1138-12A>G (NM_001438294.1); c.1225-12A>G (NM_001005735.3).
Identifiers: ClinVar variation 3773225 (VCV003773225.1).